The following is an entry in ClinVar:

NM_153252.5(BRWD3):c.263del (p.Pro88fs)

Gene: BRWD3 (bromodomain and WD repeat domain containing 3; minus strand). Cytogenetic location: Xq21.1.
Variant type: Deletion.
Coding change: c.263del on transcript NM_153252.5 (MANE Select); coding-DNA position 263, one base deleted (C; older notation c.263delC).
Protein change: p.Pro88fs; shifts the reading frame from proline 88.
Molecular consequence: frameshift variant.
Genome position (GRCh38, 1-based): chrX:80,793,690, G deleted on the plus strand (C on the coding strand, the reverse complement: BRWD3 is on the minus strand); the first of 3 consecutive G bases (chrX:80,793,690-80,793,692); deleting any one gives the same sequence. VCF-style (leftmost placement, unchanged base first): chrX-80793689-AG-A. GRCh37 (hg19) VCF-style: chrX-80049188-AG-A.
Other names: short protein forms P88fs.
Identifiers: ClinVar variation 3764597 (VCV003764597.1).

ClinVar aggregate classification (germline): Pathogenic (1 of 4 stars; one submission).

Conditions:
Intellectual developmental disorder, X-linked 93. Also called: MENTAL RETARDATION, X-LINKED, WITH MACROCEPHALY; Intellectual disability, X-linked 93. Identifiers: MedGen C1970841, MONDO:0010393, OMIM 300659.

Submission:

Daryl Scott Lab, Baylor College of Medicine
Classification: Pathogenic for Intellectual developmental disorder, X-linked 93. Last evaluated: 2024-01-01. Review status: criteria provided, single submitter. Criteria: ACMG Guidelines, 2015. Collection method: clinical testing. Allele origin: maternal. Affected: yes. Observed: 1 heterozygote.
Comment: PVS1, PM2